The following is an entry in ClinVar:

ClinVar aggregate classification (germline): Benign/Likely benign. Review status: criteria provided, multiple submitters, no conflicts (2 of 4 stars). 4 submissions from 4 submitters: Benign (2); Likely benign (1). 1 of the submissions does not count toward it. Last evaluated 2024-11-27.

Conditions:
ZBTB42-related disorder. Also called: ZBTB42-related condition.

Allele frequency attached by ClinVar (database versions not stated): 1000 Genomes Project 0.04253; 1000 Genomes Project 30x 0.04497; TOPMed 0.07762; gnomAD 0.08405 and 0.08588; ESP Exome Variant Server 0.08882; gnomAD exomes 0.09247 and 0.10624; ExAC 0.09638.
gnomAD v4.1: 160,857 of 1,549,842 alleles (10%); highest among the groups gnomAD compares: Non-Finnish European, 11%; 9,323 homozygotes.

Submissions (4):

Blueprint Genetics
Classification: Likely benign. Last evaluated: 2024-11-27. Review status: criteria provided, single submitter. Criteria: ACMG Guidelines, 2015. Collection method: clinical testing. Allele origin: germline.

GeneDx
Classification: Benign. Last evaluated: 2021-05-05. Review status: criteria provided, single submitter. Criteria: GeneDx Variant Classification Process June 2021. Collection method: clinical testing. Allele origin: germline. Affected: yes.

Breakthrough Genomics
Classification: Benign. Review status: criteria provided, single submitter. Criteria: ACMG Guidelines, 2015. Collection method: not provided. Allele origin: germline. Inheritance: Autosomal recessive inheritance. Affected: yes.

PreventionGenetics, part of Exact Sciences
Classification: Benign for ZBTB42-related condition. Last evaluated: 2019-06-28. Review status: no assertion criteria provided. Collection method: clinical testing. Allele origin: germline. Not counted in ClinVar's aggregate classification.
Comment: This variant is classified as benign based on ACMG/AMP sequence variant interpretation guidelines (Richards et al. 2015 PMID: 25741868, with internal and published modifications).

NM_001137601.3(ZBTB42):c.400G>A (p.Ala134Thr)

Gene: ZBTB42 (zinc finger and BTB domain containing 42; plus strand). Cytogenetic location: 14q32.33.
Variant type: single nucleotide variant.
Coding change: c.400G>A on transcript NM_001137601.3 (MANE Select); coding-DNA position 400, G replaced by A.
Protein change: p.Ala134Thr; replaces alanine 134 with threonine.
Molecular consequence: missense variant.
Genome position (GRCh38, 1-based): chr14:104,801,597, G>A. VCF-style: chr14-104801597-G-A. GRCh37 (hg19) VCF-style: chr14-105267934-G-A.
Other names: c.400G>A, p.Ala134Thr (NM_001370342.1); short protein forms A134T.
Identifiers: ClinVar variation 1266544 (VCV001266544.6), dbSNP rs34284721, ClinGen allele CA7374999.
Genomic context (GRCh38, chr14:104,801,597, plus strand): 5'-TGCAAGGGCAGGCTCCAGGAGAAGGATCGAAGTCTGGACCCGGGGAACCCTGCCCCTGGG[G>A]CAGAACCTGCTCAGCCACCGTGCCCCTGGCCTGTCTGGACCGCGGACCTCTGCCCAGCTG-3'
Protein context (NP_001131073.1, residues 124-144): SLDPGNPAPG[Ala134Thr]EPAQPPCPWP